The following is an entry in ClinVar:

NM_032043.3(BRIP1):c.851T>C (p.Val284Ala)

Gene: BRIP1 (BRCA1 interacting DNA helicase 1; minus strand). Cytogenetic location: 17q23.2.
Variant type: single nucleotide variant.
Coding change: c.851T>C on transcript NM_032043.3 (MANE Select); coding-DNA position 851, T replaced by C.
Protein change: p.Val284Ala; replaces valine 284 with alanine.
Molecular consequence: missense variant.
Genome position (GRCh38, 1-based): chr17:61,808,534, A>G on the plus strand (T>C on the coding strand, the complement: BRIP1 is on the minus strand). VCF-style: chr17-61808534-A-G. GRCh37 (hg19) VCF-style: chr17-59885895-A-G.
Other names: short protein forms V284A.
Identifiers: ClinVar variation 2942376 (VCV002942376.4), dbSNP rs2145413690, ClinGen allele CA400484781.
Genomic context (GRCh38, chr17:61,808,534, plus strand): 5'-CCATCTAGCAATTCCATGCACTTCTCATTTCTGTTGAAGTTACCGACTACCTCAGGATGG[A>G]CACAAGTATGATCCCTGCTGGAAAGAATAGTCATTGGAACCCCTGAATATGCCGTCCTCC-3'
Protein context (NP_114432.2, residues 274-294): TILSSRDHTC[Val284Ala]HPEVVGNFNR

ClinVar aggregate classification (germline): Uncertain significance. Review status: criteria provided, multiple submitters, no conflicts (2 of 4 stars). 2 submissions from 2 submitters: Uncertain significance (2). Last evaluated 2024-04-26.

Conditions:
Hereditary cancer-predisposing syndrome. Also called: Neoplastic Syndromes, Hereditary; Tumor predisposition; Hereditary Cancer Syndrome; Hereditary neoplastic syndrome. Identifiers: Orphanet 140162, MedGen C0027672, MeSH D009386, MONDO:0015356.
Fanconi anemia complementation group J. Also called: BRIP1-Related Fanconi Anemia. Identifiers: Orphanet 84, MedGen C1836860, MONDO:0012187, OMIM 609054.
Familial cancer of breast. Also called: BREAST CANCER, FAMILIAL; Hereditary breast cancer; hereditary breast carcinoma. Identifiers: Orphanet 227535, MedGen C0346153, MONDO:0016419, OMIM 114480. Disease mechanism: loss of function.

Submissions (2):

Ambry Genetics
Classification: Uncertain significance for Hereditary cancer-predisposing syndrome. Last evaluated: 2024-04-26. Review status: criteria provided, single submitter. Criteria: Ambry Variant Classification Scheme 2023. Collection method: clinical testing. Allele origin: germline.
Comment: The p.V284A variant (also known as c.851T>C), located in coding exon 6 of the BRIP1 gene, results from a T to C substitution at nucleotide position 851. The valine at codon 284 is replaced by alanine, an amino acid with similar properties. This amino acid position is conserved. In addition, the in silico prediction for this alteration is inconclusive. Based on the available evidence, the clinical significance of this variant remains unclear.

Labcorp Genetics (formerly Invitae), Labcorp
Classification: Uncertain significance for Familial cancer of breast; Fanconi anemia complementation group J. Last evaluated: 2022-12-16. Review status: criteria provided, single submitter. Criteria: Invitae Variant Classification Sherloc (09022015). Collection method: clinical testing. Allele origin: germline.
Comment: This sequence change replaces valine, which is neutral and non-polar, with alanine, which is neutral and non-polar, at codon 284 of the BRIP1 protein (p.Val284Ala). This variant is not present in population databases (gnomAD no frequency). This variant has not been reported in the literature in individuals affected with BRIP1-related conditions. Advanced modeling of protein sequence and biophysical properties (such as structural, functional, and spatial information, amino acid conservation, physicochemical variation, residue mobility, and thermodynamic stability) performed at Invitae indicates that this missense variant is not expected to disrupt BRIP1 protein function. In summary, the available evidence is currently insufficient to determine the role of this variant in disease. Therefore, it has been classified as a Variant of Uncertain Significance.